The following is an entry in ClinVar:

ClinVar aggregate classification (germline): Uncertain significance (1 of 4 stars; one submission).

Conditions:
Long QT syndrome (LQTS). Identifiers: MedGen C0023976, MeSH D008133, MONDO:0002442. Disease mechanism: loss of function. Inheritance: Various modes of inheritance.

gnomAD v4.1: 6 of 1,614,076 alleles (0.00037%); highest among the groups gnomAD compares: Non-Finnish European, 0.00042%; no homozygotes.

Submission:

Labcorp Genetics (formerly Invitae), Labcorp
Classification: Uncertain significance for Long QT syndrome. Last evaluated: 2025-02-08. Review status: criteria provided, single submitter. Criteria: Invitae Variant Classification Sherloc (09022015). Collection method: clinical testing. Allele origin: germline.
Comment: This sequence change replaces alanine, which is neutral and non-polar, with proline, which is neutral and non-polar, at codon 2387 of the ANK2 protein (p.Ala2387Pro). This variant is present in population databases (rs781642042, gnomAD 0.004%). This variant has not been reported in the literature in individuals affected with ANK2-related conditions. An algorithm developed to predict the effect of missense changes on protein structure and function (PolyPhen-2) suggests that this variant is likely to be tolerated. In summary, the available evidence is currently insufficient to determine the role of this variant in disease. Therefore, it has been classified as a Variant of Uncertain Significance.

NM_001148.6(ANK2):c.7159G>C (p.Ala2387Pro)

Genes: ANK2 (ankyrin 2; plus strand), LOC126807137 (CDK7 strongly-dependent group 2 enhancer GRCh37_chr4:114276560-114277759; plus strand). Cytogenetic location: 4q26.
Variant type: single nucleotide variant.
Coding change: c.7159G>C on transcript NM_001148.6 (MANE Select); coding-DNA position 7159, G replaced by C.
Protein change: p.Ala2387Pro; replaces alanine 2387 with proline.
Molecular consequence: missense variant. On other transcripts: intron variant (68).
Genome position (GRCh38, 1-based): chr4:113,355,777, G>C. VCF-style: chr4-113355777-G-C. GRCh37 (hg19) VCF-style: chr4-114276933-G-C.
Other names: c.6925G>C, p.Ala2309Pro (NM_001386142.1); c.3559G>C, p.Ala1187Pro (NM_001386166.1); c.7300G>C, p.Ala2434Pro (NM_001386174.1); c.7276G>C, p.Ala2426Pro (NM_001386175.1); c.4412-5046G>C (NM_001386186.2, NM_001386148.2); c.4214-5046G>C (NM_001354269.3); c.4292-5046G>C (NM_001386187.2); c.4253-5046G>C (NM_001386147.1); and 35 more; short protein forms A1187P, A2309P, A2387P, A2426P, A2434P.
Identifiers: ClinVar variation 4809393 (VCV004809393.1).